The following is an entry in ClinVar:

NM_033159.4(HYAL1):c.332A>G (p.Gln111Arg)

Gene: HYAL1 (hyaluronidase 1; minus strand). Cytogenetic location: 3p21.31.
Variant type: single nucleotide variant.
Coding change: c.332A>G on transcript NM_033159.4 (MANE Select); coding-DNA position 332, A replaced by G.
Protein change: p.Gln111Arg; replaces glutamine 111 with arginine.
Molecular consequence: missense variant. On other transcripts: non-coding transcript variant (1), intron variant (1), splice acceptor variant (1).
Genome position (GRCh38, 1-based): chr3:50,302,625, T>C on the plus strand (A>G on the coding strand, the complement: HYAL1 is on the minus strand). VCF-style: chr3-50302625-T-C. GRCh37 (hg19) VCF-style: chr3-50340056-T-C.
Other names: c.332A>G, p.Gln111Arg (NM_007312.3, NM_153281.2, NM_153282.3); c.-26-420A>G (NM_153285.3); c.-213-2A>G (NM_153283.3); short protein forms Q111R.
Identifiers: ClinVar variation 1061895 (VCV001061895.2), dbSNP rs781865734, ClinGen allele CA2415970.

ClinVar aggregate classification (germline): Uncertain significance (1 of 4 stars; one submission).

Conditions:
Deficiency of hyaluronoglucosaminidase (MPS9). Also called: Mucopolysaccharidosis type 9; HYALURONIDASE DEFICIENCY; MPS IX. Identifiers: Orphanet 67041, MedGen C1291490, MONDO:0011093, OMIM 601492.

Allele frequency attached by ClinVar (database versions not stated): gnomAD exomes below 0.00001; ExAC 0.00001.
gnomAD v4.1: 1 of 1,614,168 alleles (0.000062%); highest among the groups gnomAD compares: Non-Finnish European, 0.000085%; no homozygotes.

Submission:

Labcorp Genetics (formerly Invitae), Labcorp
Classification: Uncertain significance for Deficiency of hyaluronoglucosaminidase. Last evaluated: 2021-08-26. Review status: criteria provided, single submitter. Criteria: Invitae Variant Classification Sherloc (09022015). Collection method: clinical testing. Allele origin: germline.
Comment: This sequence change replaces glutamine with arginine at codon 111 of the HYAL1 protein (p.Gln111Arg). The glutamine residue is moderately conserved and there is a small physicochemical difference between glutamine and arginine. This variant is present in population databases (rs781865734, ExAC 0.002%). This variant has not been reported in the literature in individuals affected with HYAL1-related conditions. Algorithms developed to predict the effect of missense changes on protein structure and function output the following: SIFT: "Tolerated"; PolyPhen-2: "Benign"; Align-GVGD: "Class C0". The arginine amino acid residue is found in multiple mammalian species, which suggests that this missense change does not adversely affect protein function. In summary, the available evidence is currently insufficient to determine the role of this variant in disease. Therefore, it has been classified as a Variant of Uncertain Significance.